The following is an entry in ClinVar:

NM_017514.5(PLXNA3):c.3976G>A (p.Val1326Met)

Gene: PLXNA3 (plexin A3; plus strand). Cytogenetic location: Xq28.
Variant type: single nucleotide variant.
Coding change: c.3976G>A on transcript NM_017514.5 (MANE Select); coding-DNA position 3976, G replaced by A.
Protein change: p.Val1326Met; replaces valine 1326 with methionine.
Molecular consequence: missense variant.
Genome position (GRCh38, 1-based): chrX:154,468,315, G>A. VCF-style: chrX-154468315-G-A. GRCh37 (hg19) VCF-style: chrX-153696658-G-A.
Other names: short protein forms V1326M.
Identifiers: ClinVar variation 2395719 (VCV002395719.5), dbSNP rs782585263, ClinGen allele CA10564777.

ClinVar aggregate classification (germline): Conflicting classifications of pathogenicity. Review status: criteria provided, conflicting classifications (1 of 4 stars). 2 submissions from 2 submitters: Uncertain significance (1); Likely benign (1). Last evaluated 2026-05-03.

Conditions:
PLXNA3-related disorder. Also called: PLXNA3-related condition.

Allele frequency attached by ClinVar (database versions not stated): gnomAD exomes 0.00002; gnomAD 0.00004; ExAC 0.00006; TOPMed 0.00008.
gnomAD v4.1: 20 of 1,201,904 alleles (0.0017%); highest among the groups gnomAD compares: Admixed American, 0.037%; no homozygotes.

Submissions (2):

PreventionGenetics, part of Exact Sciences
Classification: Uncertain significance for PLXNA3-related condition. Last evaluated: 2026-05-03. Review status: criteria provided, single submitter. Criteria: ACMG Guidelines, 2015. Collection method: clinical testing. Allele origin: germline.
Comment: The PLXNA3 c.3976G>A variant is predicted to result in the amino acid substitution p.Val1326Met. To our knowledge, this variant has not been reported in the literature. This variant is reported in 0.043% of alleles in individuals of Latino descent in gnomAD, which may be too common to be a primary cause of disease. Although we suspect that this variant may be benign, at this time, the clinical significance of this variant is uncertain due to the absence of conclusive functional and genetic evidence.

Ambry Genetics
Classification: Likely benign. Last evaluated: 2022-12-20. Review status: criteria provided, single submitter. Criteria: Ambry Variant Classification Scheme 2023. Collection method: clinical testing. Allele origin: germline.